The following is an entry in ClinVar:

ClinVar aggregate classification (germline): Benign (1 of 4 stars; one submission).

Conditions:
Multiple endocrine neoplasia, type 1 (MEN1). Also called: MEN I; WERMER SYNDROME; Endocrine adenomatosis multiple; MEN 1; MEA I. Identifiers: Orphanet 652, MedGen C0025267, MeSH D018761, MONDO:0007540, OMIM 131100.

Submission:

Myriad Genetics, Inc.
Classification: Benign for Multiple endocrine neoplasia, type 1. Last evaluated: 2024-11-05. Review status: criteria provided, single submitter. Criteria: Myriad Autosomal Dominant, Autosomal Recessive and X-Linked Classification Criteria (2023). Collection method: clinical testing. Allele origin: unknown.
Comment: This variant is considered benign. This variant occurs in the non-coding 3' untranslated region of the gene, and is not expected to impact protein function.

NM_001370259.2(MEN1):c.*10G>A

Gene: MEN1 (menin 1; minus strand). Cytogenetic location: 11q13.1.
Variant type: single nucleotide variant.
Coding change: c.*10G>A on transcript NM_001370259.2 (MANE Select); 10 bases downstream of the stop codon, G replaced by A.
Molecular consequence: 3 prime UTR variant. On other transcripts: non-coding transcript variant (4).
Genome position (GRCh38, 1-based): chr11:64,804,324, C>T on the plus strand (G>A on the coding strand, the complement: MEN1 is on the minus strand). VCF-style: chr11-64804324-C-T. GRCh37 (hg19) VCF-style: chr11-64571796-C-T.
Other names: c.*10G>A (NM_000244.4, NM_001370251.2, NM_001407142.1 and 20 more transcripts).
Identifiers: ClinVar variation 3773245 (VCV003773245.1).